The following is an entry in ClinVar:

NM_000535.7(PMS2):c.663del (p.Ser222fs)

Gene: PMS2 (PMS1 homolog 2, mismatch repair system component; minus strand). Cytogenetic location: 7p22.1.
Variant type: Deletion.
Coding change: c.663del on transcript NM_000535.7 (MANE Select); coding-DNA position 663, one base deleted (C; older notation c.663delC).
Protein change: p.Ser222fs; shifts the reading frame from serine 222.
Molecular consequence: frameshift variant. On other transcripts: 5 prime UTR variant (2), non-coding transcript variant (1), intron variant (1).
Genome position (GRCh38, 1-based): chr7:5,999,150, G deleted on the plus strand (C on the coding strand, the reverse complement: PMS2 is on the minus strand); the first of 4 consecutive G bases (chr7:5,999,150-5,999,153); deleting any one gives the same sequence. VCF-style (leftmost placement, unchanged base first): chr7-5999149-TG-T. GRCh37 (hg19) VCF-style: chr7-6038780-TG-T.
Other names: c.258del, p.Ser87fs (NM_001322003.2, NM_001322004.2, NM_001322005.2 and 2 more transcripts); c.663del, p.Ser222fs (NM_001322006.2, NM_001322014.2); c.345del, p.Ser116fs (NM_001322007.2, NM_001322008.2); c.-271del (NM_001322011.2, NM_001322012.2); c.354del, p.Ser119fs (NM_001322015.2); c.133-1727del (NM_001322013.2); short protein forms S116fs, S119fs, S222fs, S87fs.
Identifiers: ClinVar variation 1448242 (VCV001448242.6), dbSNP rs2128799910, ClinGen allele CA2573141946.

ClinVar aggregate classification (germline): Pathogenic. Review status: criteria provided, multiple submitters, no conflicts (2 of 4 stars). 2 submissions from 2 submitters: Pathogenic (2). Last evaluated 2023-09-19.

Conditions:
Hereditary nonpolyposis colorectal neoplasms. Identifiers: MedGen C0009405, MeSH D003123.
Lynch syndrome 4 (LYNCH4). Also called: Hereditary non-polyposis colorectal cancer, type 4; Colorectal cancer, hereditary nonpolyposis, type 4. Identifiers: Orphanet 144, MedGen C1838333, MONDO:0013699, OMIM 614337. Disease mechanism: loss of function.

Submissions (2):

Myriad Genetics, Inc.
Classification: Pathogenic for Lynch syndrome 4. Last evaluated: 2023-09-19. Review status: criteria provided, single submitter. Criteria: Myriad Autosomal Dominant, Autosomal Recessive and X-Linked Classification Criteria (2023). Collection method: clinical testing. Allele origin: unknown.
Comment: This variant is considered pathogenic. This variant creates a frameshift predicted to result in premature protein truncation.

Labcorp Genetics (formerly Invitae), Labcorp
Classification: Pathogenic for Hereditary nonpolyposis colorectal neoplasms. Last evaluated: 2021-02-28. Review status: criteria provided, single submitter. Criteria: Invitae Variant Classification Sherloc (09022015). Collection method: clinical testing. Allele origin: germline.
Comment: For these reasons, this variant has been classified as Pathogenic. This variant has not been reported in the literature in individuals with PMS2-related conditions. This variant is not present in population databases (ExAC no frequency). This sequence change creates a premature translational stop signal (p.Ser222Alafs*2) in the PMS2 gene. It is expected to result in an absent or disrupted protein product. Loss-of-function variants in PMS2 are known to be pathogenic (PMID: 21376568, 24362816).

Literature cited by the submitters: PubMed 21376568 (cited by Labcorp Genetics (formerly Invitae), Labcorp); PubMed 24362816 (cited by Labcorp Genetics (formerly Invitae), Labcorp).